The following is an entry in ClinVar:

ClinVar aggregate classification (germline): Uncertain significance. Review status: criteria provided, multiple submitters, no conflicts (2 of 4 stars). 2 submissions from 2 submitters: Uncertain significance (2). Last evaluated 2024-07-26.

Conditions:
Cardiovascular phenotype. Identifiers: MedGen CN230736.
Noonan syndrome 9 (NS9). Identifiers: Orphanet 648, MedGen C4225282, MONDO:0014691, OMIM 616559.

Allele frequency attached by ClinVar (database versions not stated): gnomAD 0.00001.
gnomAD v4.1: 3 of 1,613,934 alleles (0.00019%); highest among the groups gnomAD compares: African/African-American, 0.0013%; no homozygotes.

Submissions (2):

Labcorp Genetics (formerly Invitae), Labcorp
Classification: Uncertain significance for Noonan syndrome 9. Last evaluated: 2024-07-26. Review status: criteria provided, single submitter. Criteria: Invitae Variant Classification Sherloc (09022015). Collection method: clinical testing. Allele origin: germline.
Comment: This sequence change replaces arginine, which is basic and polar, with tryptophan, which is neutral and slightly polar, at codon 457 of the SOS2 protein (p.Arg457Trp). This variant is not present in population databases (gnomAD no frequency). This variant has not been reported in the literature in individuals affected with SOS2-related conditions. ClinVar contains an entry for this variant (Variation ID: 1770990). Advanced modeling of protein sequence and biophysical properties (such as structural, functional, and spatial information, amino acid conservation, physicochemical variation, residue mobility, and thermodynamic stability) performed at Invitae indicates that this missense variant is expected to disrupt SOS2 protein function with a positive predictive value of 95%. In summary, the available evidence is currently insufficient to determine the role of this variant in disease. Therefore, it has been classified as a Variant of Uncertain Significance.

Ambry Genetics
Classification: Uncertain significance for Cardiovascular phenotype. Last evaluated: 2022-03-22. Review status: criteria provided, single submitter. Criteria: Ambry Variant Classification Scheme 2023. Collection method: clinical testing. Allele origin: germline.
Comment: The p.R457W variant (also known as c.1369C>T), located in coding exon 10 of the SOS2 gene, results from a C to T substitution at nucleotide position 1369. The arginine at codon 457 is replaced by tryptophan, an amino acid with dissimilar properties. This amino acid position is conserved. In addition, this alteration is predicted to be deleterious by in silico analysis. Since supporting evidence is limited at this time, the clinical significance of this alteration remains unclear.

NM_006939.4(SOS2):c.1369C>T (p.Arg457Trp)

Gene: SOS2 (SOS Ras/Rho guanine nucleotide exchange factor 2; minus strand). Cytogenetic location: 14q21.3.
Variant type: single nucleotide variant.
Coding change: c.1369C>T on transcript NM_006939.4 (MANE Select); coding-DNA position 1369, C replaced by T.
Protein change: p.Arg457Trp; replaces arginine 457 with tryptophan.
Molecular consequence: missense variant.
Genome position (GRCh38, 1-based): chr14:50,159,914, G>A on the plus strand (C>T on the coding strand, the complement: SOS2 is on the minus strand). VCF-style: chr14-50159914-G-A. GRCh37 (hg19) VCF-style: chr14-50626632-G-A.
Other names: c.1270C>T, p.Arg424Trp (NM_001411020.1); short protein forms R457W, R424W.
Identifiers: ClinVar variation 1770990 (VCV001770990.4), dbSNP rs1884940423, ClinGen allele CA389645939.